The following is an entry in ClinVar:

NM_000243.3(MEFV):c.1587+7G>A

Gene: MEFV (MEFV innate immunity regulator, pyrin; minus strand). Cytogenetic location: 16p13.3.
Variant type: single nucleotide variant.
Coding change: c.1587+7G>A on transcript NM_000243.3 (MANE Select); 7 bases into the intron after coding-DNA position 1587, G replaced by A.
Molecular consequence: intron variant.
Genome position (GRCh38, 1-based): chr16:3,247,009, C>T on the plus strand (G>A on the coding strand, the complement: MEFV is on the minus strand). VCF-style: chr16-3247009-C-T. GRCh37 (hg19) VCF-style: chr16-3297009-C-T.
Other names: c.954+7G>A (NM_001198536.2).
Identifiers: ClinVar variation 495751 (VCV000495751.17), dbSNP rs375555497, ClinGen allele CA7860098.

ClinVar aggregate classification (germline): Conflicting classifications of pathogenicity. Review status: criteria provided, conflicting classifications (1 of 4 stars). 3 submissions from 3 submitters: Uncertain significance (1); Likely benign (2). Last evaluated 2026-01-28.

Conditions:
Familial Mediterranean fever (FMF). Also called: POLYSEROSITIS, FAMILIAL PAROXYSMAL; POLYSEROSITIS, RECURRENT; Periodic peritonitis; Benign paroxysmal peritonitis. Identifiers: Orphanet 342, MedGen C0031069, MONDO:0018088, OMIM 249100. Disease mechanism: gain of function.

Allele frequency attached by ClinVar (database versions not stated): TOPMed 0.00002; ExAC 0.00003; gnomAD exomes 0.00004 and 0.00006; ESP Exome Variant Server 0.00008.
gnomAD v4.1: 100 of 1,613,842 alleles (0.0062%); highest among the groups gnomAD compares: Admixed American, 0.012%; 1 homozygote.

Submissions (3):

Labcorp Genetics (formerly Invitae), Labcorp
Classification: Likely benign for Familial Mediterranean fever. Last evaluated: 2026-01-28. Review status: criteria provided, single submitter. Criteria: Invitae Variant Classification Sherloc (09022015). Collection method: clinical testing. Allele origin: germline.

Women's Health and Genetics/Laboratory Corporation of America, LabCorp
Classification: Uncertain significance. Last evaluated: 2025-04-25. Review status: criteria provided, single submitter. Criteria: LabCorp Variant Classification Summary - May 2015. Collection method: clinical testing. Allele origin: germline.
Comment: Variant summary: MEFV c.1587+7G>A alters a non-conserved nucleotide located at a position not widely known to affect splicing. Several computational tools predict a significant impact on normal splicing: Two predict the variant creates a 5 donor site. Two predict the variant strengthens a 5 donor site. However, these predictions have yet to be confirmed by functional studies. The variant allele was found at a frequency of 4e-05 in 250678 control chromosomes. This frequency is not significantly higher than estimated for a pathogenic variant in MEFV causing Familial Mediterranean Fever (4e-05 vs 0.022), allowing no conclusion about variant significance. To our knowledge, no occurrence of c.1587+7G>A in individuals affected with Familial Mediterranean Fever and no experimental evidence demonstrating its impact on protein function have been reported. ClinVar contains an entry for this variant (Variation ID: 495751). Based on the evidence outlined above, the variant was classified as uncertain significance.

ARUP Laboratories, Molecular Genetics and Genomics, ARUP Laboratories
Classification: Likely benign. Last evaluated: 2022-03-16. Review status: criteria provided, single submitter. Criteria: ARUP Molecular Germline Variant Investigation Process 2021. Collection method: clinical testing. Allele origin: germline.